The following is an entry in ClinVar:

NM_014797.3(ZBTB24):c.389del (p.Asn130fs)

Gene: ZBTB24 (zinc finger and BTB domain containing 24; minus strand). Cytogenetic location: 6q21.
Variant type: Deletion.
Coding change: c.389del on transcript NM_014797.3 (MANE Select); coding-DNA position 389, one base deleted (A; older notation c.389delA).
Protein change: p.Asn130fs; shifts the reading frame from asparagine 130.
Molecular consequence: frameshift variant.
Genome position (GRCh38, 1-based): chr6:109,481,638, T deleted on the plus strand (A on the coding strand, the reverse complement: ZBTB24 is on the minus strand); the first of 4 consecutive T bases (chr6:109,481,638-109,481,641); deleting any one gives the same sequence. VCF-style (leftmost placement, unchanged base first): chr6-109481637-AT-A. GRCh37 (hg19) VCF-style: chr6-109802840-AT-A.
Other names: c.389del, p.Asn130fs (NM_001164313.2); short protein forms N130fs.
Identifiers: ClinVar variation 2028359 (VCV002028359.4), dbSNP rs2482882627, ClinGen allele CA2580074754.

ClinVar aggregate classification (germline): Pathogenic (1 of 4 stars; one submission).

Conditions:
Immunodeficiency-centromeric instability-facial anomalies syndrome 2 (ICF2). Identifiers: Orphanet 2268, MedGen C3279748, MONDO:0013553, OMIM 614069.

Submission:

Labcorp Genetics (formerly Invitae), Labcorp
Classification: Pathogenic for Immunodeficiency-centromeric instability-facial anomalies syndrome 2. Last evaluated: 2022-09-01. Review status: criteria provided, single submitter. Criteria: Invitae Variant Classification Sherloc (09022015). Collection method: clinical testing. Allele origin: germline.
Comment: For these reasons, this variant has been classified as Pathogenic. This variant has not been reported in the literature in individuals affected with ZBTB24-related conditions. This variant is not present in population databases (gnomAD no frequency). This sequence change creates a premature translational stop signal (p.Asn130Ilefs*11) in the ZBTB24 gene. It is expected to result in an absent or disrupted protein product. Loss-of-function variants in ZBTB24 are known to be pathogenic (PMID: 21596365).

Literature cited by the submitters: PubMed 21596365.